The following is an entry in ClinVar:

NM_000048.4(ASL):c.1342G>A (p.Val448Ile)

Gene: ASL (argininosuccinate lyase; plus strand). Cytogenetic location: 7q11.21.
Variant type: single nucleotide variant.
Coding change: c.1342G>A on transcript NM_000048.4 (MANE Select); coding-DNA position 1342, G replaced by A.
Protein change: p.Val448Ile; replaces valine 448 with isoleucine.
Molecular consequence: missense variant.
Genome position (GRCh38, 1-based): chr7:66,092,859, G>A. VCF-style: chr7-66092859-G-A. GRCh37 (hg19) VCF-style: chr7-65557846-G-A.
Other names: c.1342G>A, p.Val448Ile (NM_001024943.2); c.1282G>A, p.Val428Ile (NM_001024944.2); c.1264G>A, p.Val422Ile (NM_001024946.2); short protein forms V428I, V422I, V448I.
Identifiers: ClinVar variation 833531 (VCV000833531.13), dbSNP rs139410488, ClinGen allele CA4277393.

ClinVar aggregate classification (germline): Conflicting classifications of pathogenicity. Review status: criteria provided, conflicting classifications (1 of 4 stars). 2 submissions from 2 submitters: Uncertain significance (1); Likely benign (1). Last evaluated 2025-09-26.

Conditions:
Argininosuccinate lyase deficiency. Also called: ARGININOSUCCINIC ACID LYASE DEFICIENCY; ASL DEFICIENCY; Argininosuccinic aciduria. Identifiers: Orphanet 23, MedGen C0268547, MONDO:0008815, OMIM 207900, HP:0025630.

Allele frequency attached by ClinVar (database versions not stated): gnomAD 0.00008; gnomAD exomes 0.00008 and 0.00022; ExAC 0.00010; TOPMed 0.00010; ESP Exome Variant Server 0.00031.
gnomAD v4.1: 332 of 1,612,658 alleles (0.021%); highest among the groups gnomAD compares: Non-Finnish European, 0.027%; no homozygotes.

Submissions (2):

Labcorp Genetics (formerly Invitae), Labcorp
Classification: Likely benign for Argininosuccinate lyase deficiency. Last evaluated: 2025-09-26. Review status: criteria provided, single submitter. Criteria: Invitae Variant Classification Sherloc (09022015). Collection method: clinical testing. Allele origin: germline.

Illumina Laboratory Services, Illumina
Classification: Uncertain significance for Argininosuccinate lyase deficiency. Last evaluated: 2018-01-17. Review status: criteria provided, single submitter. Criteria: ICSL Variant Classification Criteria 13 December 2019. Collection method: clinical testing. Allele origin: germline.
Comment: This variant was observed as part of a predisposition screen in an ostensibly healthy population. A literature search was performed for the gene, cDNA change, and amino acid change (where applicable). Publications were found based on this search. However, the evidence from the literature, in combination with allele frequency data from public databases where available, was not sufficient to rule this variant in or out of causing disease. Therefore, this variant is classified as a variant of unknown significance.

Literature cited by the submitters: PubMed 24166829 (cited by Illumina Laboratory Services, Illumina).